The following is an entry in ClinVar:

ClinVar aggregate classification (germline): Benign. Review status: criteria provided, multiple submitters, no conflicts (2 of 4 stars). 4 submissions from 4 submitters: Benign (4). Last evaluated 2024-11-27.

Conditions:
Platelet-type bleeding disorder 10. Also called: CD36 DEFICIENCY. Identifiers: MedGen C1842090, MONDO:0012031, OMIM 608404.

Allele frequency attached by ClinVar (database versions not stated): 1000 Genomes Project 30x 0.91037; 1000 Genomes Project 0.91833; TOPMed 0.91993; ESP Exome Variant Server 0.92034; gnomAD 0.92282 and 0.92685; ExAC 0.96494; gnomAD exomes 0.96823 and 0.97475.
gnomAD v4.1: 1,557,603 of 1,605,826 alleles (97%); highest among the groups gnomAD compares: East Asian, 100%; 756,819 homozygotes.

Submissions (4):

Blueprint Genetics
Classification: Benign. Last evaluated: 2024-11-27. Review status: criteria provided, single submitter. Criteria: ACMG Guidelines, 2015. Collection method: clinical testing. Allele origin: germline.

Illumina Laboratory Services, Illumina
Classification: Benign for Platelet-type bleeding disorder 10. Last evaluated: 2018-01-12. Review status: criteria provided, single submitter. Criteria: ICSL Variant Classification Criteria 13 December 2019. Collection method: clinical testing. Allele origin: germline.
Comment: This variant was observed in the ICSL laboratory as part of a predisposition screen in an ostensibly healthy population. It had not been previously curated by ICSL or reported in the Human Gene Mutation Database (HGMD: prior to June 1st, 2018), and was therefore a candidate for classification through an automated scoring system. Utilizing variant allele frequency, disease prevalence and penetrance estimates, and inheritance mode, an automated score was calculated to assess if this variant is too frequent to cause the disease. Based on the score and internal cut-off values, a variant classified as benign is not then subjected to further curation. The score for this variant resulted in a classification of benign for this disease.

GeneDx
Classification: Benign. Last evaluated: 2015-03-03. Review status: criteria provided, single submitter. Criteria: GeneDx Variant Classification Process June 2021. Collection method: clinical testing. Allele origin: germline. Affected: yes.

Breakthrough Genomics
Classification: Benign. Review status: criteria provided, single submitter. Criteria: ACMG Guidelines, 2015. Collection method: not provided. Allele origin: germline. Inheritance: Autosomal recessive inheritance. Affected: yes.

NM_001001548.3(CD36):c.282-10A>G

Gene: CD36 (CD36 molecule (CD36 blood group); plus strand). Cytogenetic location: 7q21.11.
Variant type: single nucleotide variant.
Coding change: c.282-10A>G on transcript NM_001001548.3 (MANE Select); 10 bases into the intron before coding-DNA position 282, A replaced by G.
Molecular consequence: intron variant.
Genome position (GRCh38, 1-based): chr7:80,661,053, A>G. VCF-style: chr7-80661053-A-G. GRCh37 (hg19) VCF-style: chr7-80290369-A-G.
Other names: c.282-10A>G (NM_001371075.1, NM_001001547.3, NM_001371074.1 and 7 more transcripts); c.-201-10A>G (NM_001371081.1); c.54-10A>G (NM_001289911.2); c.-184-10A>G (NM_001371080.1); c.180-10A>G (NM_001371079.1).
Identifiers: ClinVar variation 360754 (VCV000360754.9), dbSNP rs3211892, ClinGen allele CA4315098.